The following is an entry in ClinVar:

ClinVar aggregate classification (germline): Uncertain significance (1 of 4 stars; one submission).

Conditions:
Deficiency of malonyl-CoA decarboxylase. Also called: Malonic aciduria; MCD deficiency. Identifiers: Orphanet 943, MedGen C0342793, MONDO:0009556, OMIM 248360.

Allele frequency attached by ClinVar (database versions not stated): TOPMed below 0.00001; gnomAD exomes 0.00002.
gnomAD v4.1: 6 of 1,614,244 alleles (0.00037%); highest among the groups gnomAD compares: Admixed American, 0.01%; no homozygotes.

Submission:

Labcorp Genetics (formerly Invitae), Labcorp
Classification: Uncertain significance for Deficiency of malonyl-CoA decarboxylase. Last evaluated: 2024-10-14. Review status: criteria provided, single submitter. Criteria: Invitae Variant Classification Sherloc (09022015). Collection method: clinical testing. Allele origin: germline.
Comment: This sequence change replaces lysine, which is basic and polar, with glutamic acid, which is acidic and polar, at codon 361 of the MLYCD protein (p.Lys361Glu). This variant is present in population databases (no rsID available, gnomAD 0.02%). This variant has not been reported in the literature in individuals affected with MLYCD-related conditions. ClinVar contains an entry for this variant (Variation ID: 460441). An algorithm developed to predict the effect of missense changes on protein structure and function (PolyPhen-2) suggests that this variant¬†is likely to be tolerated. In summary, the available evidence is currently insufficient to determine the role of this variant in disease. Therefore, it has been classified as a Variant of Uncertain Significance.

NM_012213.3(MLYCD):c.1081A>G (p.Lys361Glu)

Gene: MLYCD (malonyl-CoA decarboxylase; plus strand). Cytogenetic location: 16q23.3.
Variant type: single nucleotide variant.
Coding change: c.1081A>G on transcript NM_012213.3 (MANE Select); coding-DNA position 1081, A replaced by G.
Protein change: p.Lys361Glu; replaces lysine 361 with glutamic acid.
Molecular consequence: missense variant.
Genome position (GRCh38, 1-based): chr16:83,915,088, A>G. VCF-style: chr16-83915088-A-G. GRCh37 (hg19) VCF-style: chr16-83948693-A-G.
Other names: short protein forms K361E.
Identifiers: ClinVar variation 460441 (VCV000460441.7), dbSNP rs1287261177, ClinGen allele CA396920000.
Genomic context (GRCh38, chr16:83,915,088, plus strand): 5'-CTTCTGAACTCGCAAACGAAGGAGCATGGGAGGAATGAACTCTTTACAGATTCGGAATGT[A>G]AGGAAATCTCGGAGATCACAGGTGGCCCCATTAACGAGACCCTCAAGCTCCTCCTCAGCA-3'
Protein context (NP_036345.2, residues 351-371): RNELFTDSEC[Lys361Glu]EISEITGGPI